The following is an entry in ClinVar:

NM_003718.5(CDK13):c.1822C>T (p.Pro608Ser)

Gene: CDK13 (cyclin dependent kinase 13; plus strand). Cytogenetic location: 7p14.1.
Variant type: single nucleotide variant.
Coding change: c.1822C>T on transcript NM_003718.5 (MANE Select); coding-DNA position 1822, C replaced by T.
Protein change: p.Pro608Ser; replaces proline 608 with serine.
Molecular consequence: missense variant.
Genome position (GRCh38, 1-based): chr7:39,988,209, C>T. VCF-style: chr7-39988209-C-T. GRCh37 (hg19) VCF-style: chr7-40027808-C-T.
Other names: c.1822C>T, p.Pro608Ser (NM_031267.4); short protein forms P608S.
Identifiers: ClinVar variation 4529790 (VCV004529790.1).

ClinVar aggregate classification (germline): Uncertain significance (1 of 4 stars; one submission).

gnomAD v4.1: 1 of 1,611,472 alleles (0.000062%); highest among the groups gnomAD compares: Non-Finnish European, 0.000085%; no homozygotes.

Submission:

GeneDx
Classification: Uncertain significance. Last evaluated: 2025-05-12. Review status: criteria provided, single submitter. Criteria: GeneDx Variant Classification Process June 2021. Collection method: clinical testing. Allele origin: germline. Affected: yes.
Comment: Not observed at significant frequency in large population cohorts (gnomAD); In silico analysis supports that this missense variant has a deleterious effect on protein structure/function; Has not been previously published as pathogenic or benign to our knowledge